The following is an entry in ClinVar:

NM_006431.3(CCT2):c.1112G>A (p.Cys371Tyr)

Gene: CCT2 (chaperonin containing TCP1 subunit 2; plus strand). Cytogenetic location: 12q15.
Variant type: single nucleotide variant.
Coding change: c.1112G>A on transcript NM_006431.3 (MANE Select); coding-DNA position 1112, G replaced by A.
Protein change: p.Cys371Tyr; replaces cysteine 371 with tyrosine.
Molecular consequence: missense variant.
Genome position (GRCh38, 1-based): chr12:69,597,647, G>A. VCF-style: chr12-69597647-G-A. GRCh37 (hg19) VCF-style: chr12-69991427-G-A.
Other names: c.971G>A, p.Cys324Tyr (NM_001198842.2); short protein forms C324Y, C371Y.
Identifiers: ClinVar variation 1974693 (VCV001974693.5), dbSNP rs1178194959, ClinGen allele CA385730620.

ClinVar aggregate classification (germline): Uncertain significance (1 of 4 stars; one submission).

Submission:

Labcorp Genetics (formerly Invitae), Labcorp
Classification: Uncertain significance. Last evaluated: 2022-04-01. Review status: criteria provided, single submitter. Criteria: Invitae Variant Classification Sherloc (09022015). Collection method: clinical testing. Allele origin: germline.
Comment: This variant has not been reported in the literature in individuals affected with CCT2-related conditions. This variant is not present in population databases (gnomAD no frequency). This sequence change replaces cysteine, which is neutral and slightly polar, with tyrosine, which is neutral and polar, at codon 371 of the CCT2 protein (p.Cys371Tyr). In summary, the available evidence is currently insufficient to determine the role of this variant in disease. Therefore, it has been classified as a Variant of Uncertain Significance. Algorithms developed to predict the effect of missense changes on protein structure and function (SIFT, PolyPhen-2, Align-GVGD) all suggest that this variant is likely to be disruptive.